The following is an entry in ClinVar:

NM_000051.4(ATM):c.1037T>A (p.Ile346Asn)

Gene: ATM (ATM serine/threonine kinase; plus strand). Cytogenetic location: 11q22.3.
Variant type: single nucleotide variant.
Coding change: c.1037T>A on transcript NM_000051.4 (MANE Select); coding-DNA position 1037, T replaced by A.
Protein change: p.Ile346Asn; replaces isoleucine 346 with asparagine.
Molecular consequence: missense variant.
Genome position (GRCh38, 1-based): chr11:108,247,099, T>A. VCF-style: chr11-108247099-T-A. GRCh37 (hg19) VCF-style: chr11-108117826-T-A.
Other names: c.1037T>A, p.Ile346Asn (NM_001351834.2); short protein forms I346N.
Identifiers: ClinVar variation 407452 (VCV000407452.18), dbSNP rs1060501526, ClinGen allele CA16612980.

ClinVar aggregate classification (germline): Uncertain significance. Review status: criteria provided, multiple submitters, no conflicts (2 of 4 stars). 4 submissions from 4 submitters: Uncertain significance (3). 1 of the submissions does not count toward it. Last evaluated 2025-09-05.

Conditions:
Hereditary cancer-predisposing syndrome. Also called: Hereditary neoplastic syndrome; Neoplastic Syndromes, Hereditary; Tumor predisposition; Hereditary Cancer Syndrome. Identifiers: Orphanet 140162, MedGen C0027672, MeSH D009386, MONDO:0015356.
Ataxia-telangiectasia syndrome (AT). Also called: Ataxia telangiectasia (A-T); LOUIS-BAR SYNDROME; Cerebello-oculocutaneous telangiectasia; Immunodeficiency with ataxia telangiectasia; Ataxia-telangiectasia, complementation group D; AT, COMPLEMENTATION GROUP C. Identifiers: Orphanet 100, MedGen C0004135, MONDO:0008840, OMIM 208900.

Allele frequency attached by ClinVar (database versions not stated): gnomAD exomes below 0.00001; TOPMed below 0.00001.
gnomAD v4.1: 3 of 1,613,908 alleles (0.00019%); highest among the groups gnomAD compares: South Asian, 0.0033%; no homozygotes.

Submissions (4):

Labcorp Genetics (formerly Invitae), Labcorp
Classification: Uncertain significance for Ataxia-telangiectasia syndrome. Last evaluated: 2025-09-05. Review status: criteria provided, single submitter. Criteria: Invitae Variant Classification Sherloc (09022015). Collection method: clinical testing. Allele origin: germline.
Comment: This sequence change replaces isoleucine, which is neutral and non-polar, with asparagine, which is neutral and polar, at codon 346 of the ATM protein (p.Ile346Asn). This variant is not present in population databases (gnomAD no frequency). This missense change has been observed in individual(s) with non-medullary thyroid cancer (PMID: 26530882). ClinVar contains an entry for this variant (Variation ID: 407452). Invitae Evidence Modeling of protein sequence and biophysical properties (such as structural, functional, and spatial information, amino acid conservation, physicochemical variation, residue mobility, and thermodynamic stability) has been performed for this missense variant. However, the output from this modeling did not meet the statistical confidence thresholds required to predict the impact of this variant on ATM protein function. In summary, the available evidence is currently insufficient to determine the role of this variant in disease. Therefore, it has been classified as a Variant of Uncertain Significance.

Ambry Genetics
Classification: Uncertain significance for Hereditary cancer-predisposing syndrome. Last evaluated: 2024-05-01. Review status: criteria provided, single submitter. Criteria: Ambry Variant Classification Scheme 2023. Collection method: clinical testing. Allele origin: germline.
Comment: The p.I346N variant (also known as c.1037T>A), located in coding exon 7 of the ATM gene, results from a T to A substitution at nucleotide position 1037. The isoleucine at codon 346 is replaced by asparagine, an amino acid with dissimilar properties. This alteration has been reported in a patient with non-medullary thyroid cancer (Yu Y et al. Sci Rep, 2015 Nov;5:16129). This variant was also identified in a cohort of 882 Chinese individuals with a personal and/or family history of breast or ovarian cancers who underwent multi-gene panel testing for HBOC risk assessment (Shao D et al. Cancer Sci, 2020 Feb;111:647-657). This amino acid position is well conserved in available vertebrate species. In addition, the in silico prediction for this alteration is inconclusive. Since supporting evidence is limited at this time, the clinical significance of this alteration remains unclear.

Color Diagnostics, LLC DBA Color Health
Classification: Uncertain significance for Hereditary cancer-predisposing syndrome. Last evaluated: 2021-02-12. Review status: criteria provided, single submitter. Criteria: ACMG Guidelines, 2015. Collection method: clinical testing. Allele origin: germline.
Comment: This missense variant replaces isoleucine with asparagine at codon 346 of the ATM protein. Computational prediction suggests that this variant may not impact protein structure and function (internally defined REVEL score threshold <= 0.5, PMID: 27666373). To our knowledge, functional studies have not been reported for this variant. This variant has been reported in an individual affected with non-medullary thyroid cancer (PMID: 26530882). This variant has not been identified in the general population by the Genome Aggregation Database (gnomAD). The available evidence is insufficient to determine the role of this variant in disease conclusively. Therefore, this variant is classified as a Variant of Uncertain Significance.

Natera, Inc.
Classification: Uncertain significance for Ataxia-telangiectasia. Last evaluated: 2020-12-28. Review status: no assertion criteria provided. Collection method: clinical testing. Allele origin: germline. Not counted in ClinVar's aggregate classification.

Literature cited by the submitters: PubMed 26530882 (cited by Labcorp Genetics (formerly Invitae), Labcorp and Ambry Genetics); PubMed 31742824 (cited by Ambry Genetics).